The following is an entry in ClinVar:

ClinVar aggregate classification (germline): Uncertain significance. Review status: criteria provided, multiple submitters, no conflicts (2 of 4 stars). 2 submissions from 2 submitters: Uncertain significance (2). Last evaluated 2023-06-01.

Conditions:
Developmental and epileptic encephalopathy, 37 (DEE37). Also called: Epileptic encephalopathy, early infantile, 37. Identifiers: MedGen C4310770, MONDO:0014859, OMIM 616981.

gnomAD v4.1: 2 of 1,265,704 alleles (0.00016%); highest among the groups gnomAD compares: Non-Finnish European, 0.0001%; no homozygotes.

Submissions (2):

CeGaT Center for Human Genetics Tuebingen
Classification: Uncertain significance. Last evaluated: 2023-06-01. Review status: criteria provided, single submitter. Criteria: CeGaT Center For Human Genetics Tuebingen Variant Classification Criteria Version 2. Collection method: clinical testing. Allele origin: germline. Affected: yes. Observed: 1 variant allele.
Comment: FRRS1L: PM2, PM3:Supporting, BP1

Labcorp Genetics (formerly Invitae), Labcorp
Classification: Uncertain significance for Developmental and epileptic encephalopathy, 37. Last evaluated: 2022-11-08. Review status: criteria provided, single submitter. Criteria: Invitae Variant Classification Sherloc (09022015). Collection method: clinical testing. Allele origin: germline.
Comment: In summary, the available evidence is currently insufficient to determine the role of this variant in disease. Therefore, it has been classified as a Variant of Uncertain Significance. Algorithms developed to predict the effect of missense changes on protein structure and function (SIFT, PolyPhen-2, Align-GVGD) all suggest that this variant is likely to be tolerated. ClinVar contains an entry for this variant (Variation ID: 1438954). This variant has not been reported in the literature in individuals affected with FRRS1L-related conditions. This variant is not present in population databases (gnomAD no frequency). This sequence change replaces aspartic acid, which is acidic and polar, with asparagine, which is neutral and polar, at codon 100 of the FRRS1L protein (p.Asp100Asn).

NM_014334.4(FRRS1L):c.145G>A (p.Asp49Asn)

Gene: FRRS1L (ferric chelate reductase 1 like; minus strand). Cytogenetic location: 9q31.3.
Variant type: single nucleotide variant.
Coding change: c.145G>A on transcript NM_014334.4 (MANE Select); coding-DNA position 145, G replaced by A.
Protein change: p.Asp49Asn; replaces aspartic acid 49 with asparagine.
Molecular consequence: missense variant.
Genome position (GRCh38, 1-based): chr9:109,166,994, C>T on the plus strand (G>A on the coding strand, the complement: FRRS1L is on the minus strand). VCF-style: chr9-109166994-C-T. GRCh37 (hg19) VCF-style: chr9-111929274-C-T.
Other names: short protein forms D49N.
Identifiers: ClinVar variation 1438954 (VCV001438954.28), dbSNP rs1051565536, ClinGen allele CA374430417.
Genomic context (GRCh38, chr9:109,166,994, plus strand): 5'-CCCCCGCGAAGGTGCCGTAGGAGGAGTCGTGGCGCGGCACCGCCTCGTCGGCGCCCGTGT[C>T]CCCCCGCGCGCGTCCCCGGGGTCCCCGGCCCCCCGGGCCCGCACCGTCGTCCGCGGGGCT-3'
Protein context (NP_055149.3, residues 39-59): GRGPRGRARG[Asp49Asn]TGADEAVPRH